The following is an entry in ClinVar:

Conditions:
Arteriohepatic dysplasia. Also called: Alagille Syndrome. Identifiers: Orphanet 52, MedGen C0085280, MeSH D016738, MONDO:0007318.

Submission:

Gilbert/Spinner Lab, Children's Hospital of Philadelphia
No classification provided (evidence only). Condition: Alagille syndrome. Review status: no classification provided. Collection method: research. Allele origin: not applicable. Functional consequence: functionally_abnormal.
ClinVar note: "not provided" was previously submitted as the classification for the variant. However, the classification appeared to be based only on an observation of functional data so it was converted to no classification on 2025-07-30.

NM_000214.3(JAG1):c.895T>G (p.Tyr299Asp)

Gene: JAG1 (jagged canonical Notch ligand 1; minus strand). Cytogenetic location: 20p12.2.
Variant type: single nucleotide variant.
Coding change: c.895T>G on transcript NM_000214.3 (MANE Select); coding-DNA position 895, T replaced by G.
Protein change: p.Tyr299Asp; replaces tyrosine 299 with aspartic acid.
Molecular consequence: missense variant.
Genome position (GRCh38, 1-based): chr20:10,652,242, A>C on the plus strand (T>G on the coding strand, the complement: JAG1 is on the minus strand). VCF-style: chr20-10652242-A-C. GRCh37 (hg19) VCF-style: chr20-10632890-A-C.
Other names: short protein forms Y299D.
Identifiers: ClinVar variation 3573401 (VCV003573401.2).